The following is an entry in ClinVar:

ClinVar aggregate classification (germline): Likely benign (1 of 4 stars; one submission).

Submission:

CeGaT Center for Human Genetics Tuebingen
Classification: Likely benign. Last evaluated: 2026-07-01. Review status: criteria provided, single submitter. Criteria: CeGaT Center For Human Genetics Tuebingen Variant Classification Criteria Version 2. Collection method: clinical testing. Allele origin: germline. Affected: yes. Observed: 3 variant alleles.
Comment: TMEM151A: BP4, BP7, BS2

NM_153266.4(TMEM151A):c.912C>A (p.Ala304=)

Gene: TMEM151A (transmembrane protein 151A; plus strand). Cytogenetic location: 11q13.2.
Variant type: single nucleotide variant.
Coding change: c.912C>A on transcript NM_153266.4 (MANE Select); coding-DNA position 912, C replaced by A.
Protein change: p.Ala304=; no amino-acid change (alanine 304 retained).
Molecular consequence: synonymous variant.
Genome position (GRCh38, 1-based): chr11:66,295,158, C>A. VCF-style: chr11-66295158-C-A. GRCh37 (hg19) VCF-style: chr11-66062629-C-A.
Identifiers: ClinVar variation 4681301 (VCV004681301.5).